The following is an entry in ClinVar:

NM_021096.4(CACNA1I):c.3143A>G (p.His1048Arg)

Gene: CACNA1I (calcium voltage-gated channel subunit alpha1 I; plus strand). Cytogenetic location: 22q13.1.
Variant type: single nucleotide variant.
Coding change: c.3143A>G on transcript NM_021096.4 (MANE Select); coding-DNA position 3143, A replaced by G.
Protein change: p.His1048Arg; replaces histidine 1048 with arginine.
Molecular consequence: missense variant.
Genome position (GRCh38, 1-based): chr22:39,662,206, A>G. VCF-style: chr22-39662206-A-G. GRCh37 (hg19) VCF-style: chr22-40058211-A-G.
Other names: c.3038A>G, p.His1013Arg (NM_001003406.2); short protein forms H1013R, H1048R.
Identifiers: ClinVar variation 3055014 (VCV003055014.2), dbSNP rs1935042437, ClinGen allele CA411656687.

ClinVar aggregate classification (germline): Uncertain significance (0 of 4 stars; one submission).

Conditions:
CACNA1I-related disorder. Also called: CACNA1I-related condition.

Submission:

PreventionGenetics, part of Exact Sciences
Classification: Uncertain significance for CACNA1I-related condition. Last evaluated: 2024-03-01. Review status: no assertion criteria provided. Collection method: clinical testing. Allele origin: germline.
Comment: The CACNA1I c.3143A>G variant is predicted to result in the amino acid substitution p.His1048Arg. To our knowledge, this variant has not been reported in the literature or in a large population database, indicating this variant is rare. At this time, the clinical significance of this variant is uncertain due to the absence of conclusive functional and genetic evidence.